The following is an entry in ClinVar:

ClinVar aggregate classification (germline): Likely benign. Review status: criteria provided, multiple submitters, no conflicts (2 of 4 stars). 4 submissions from 4 submitters: Likely benign (3). 1 of the submissions does not count toward it. Last evaluated 2026-02-01.

Conditions:
IRF2BP2-related disorder. Also called: IRF2BP2-related condition.

Submissions (4):

Labcorp Genetics (formerly Invitae), Labcorp
Classification: Likely benign. Last evaluated: 2026-02-01. Review status: criteria provided, single submitter. Criteria: Invitae Variant Classification Sherloc (09022015). Collection method: clinical testing. Allele origin: germline.

Blueprint Genetics
Classification: Likely benign. Last evaluated: 2024-03-26. Review status: criteria provided, single submitter. Criteria: ACMG Guidelines, 2015. Collection method: clinical testing. Allele origin: germline.

Breakthrough Genomics
Classification: Likely benign. Review status: criteria provided, single submitter. Criteria: ACMG Guidelines, 2015. Collection method: not provided. Allele origin: germline. Inheritance: Autosomal dominant inheritance. Affected: yes.

PreventionGenetics, part of Exact Sciences
Classification: Likely benign for IRF2BP2-related condition. Last evaluated: 2019-07-03. Review status: no assertion criteria provided. Collection method: clinical testing. Allele origin: germline. Not counted in ClinVar's aggregate classification.
Comment: This variant is classified as likely benign based on ACMG/AMP sequence variant interpretation guidelines (Richards et al. 2015 PMID: 25741868, with internal and published modifications).

NM_182972.3(IRF2BP2):c.615C>T (p.Leu205=)

Genes: IRF2BP2 (interferon regulatory factor 2 binding protein 2; minus strand), LOC129932811 (ATAC-STARR-seq lymphoblastoid silent region 1976; plus strand). Cytogenetic location: 1q42.3.
Variant type: single nucleotide variant.
Coding change: c.615C>T on transcript NM_182972.3 (MANE Select); coding-DNA position 615, C replaced by T.
Protein change: p.Leu205=; no amino-acid change (leucine 205 retained).
Molecular consequence: synonymous variant.
Genome position (GRCh38, 1-based): chr1:234,608,880, G>A on the plus strand (C>T on the coding strand, the complement: IRF2BP2 is on the minus strand). VCF-style: chr1-234608880-G-A. GRCh37 (hg19) VCF-style: chr1-234744626-G-A.
Other names: c.615C>T (NM_182972.2); c.615C>T, p.Leu205= (NM_001077397.1).
Identifiers: ClinVar variation 1660982 (VCV001660982.11), dbSNP rs762363425, ClinGen allele CA1461800.